The following is an entry in ClinVar:

ClinVar aggregate classification (germline): Likely benign. Review status: criteria provided, multiple submitters, no conflicts (2 of 4 stars). 2 submissions from 2 submitters: Likely benign (2). Last evaluated 2026-07-08.

Conditions:
KRT10-related disorder. Also called: KRT10-related condition.

Submissions (2):

PreventionGenetics, part of Exact Sciences
Classification: Likely benign for KRT10-related condition. Last evaluated: 2026-07-08. Review status: criteria provided, single submitter. Criteria: ACMG Guidelines, 2015. Collection method: clinical testing. Allele origin: germline.
Comment: This variant is classified as likely benign based on ACMG/AMP sequence variant interpretation guidelines (Richards et al. 2015 PMID: 25741868, with internal and published modifications).

Blueprint Genetics
Classification: Likely benign. Last evaluated: 2024-11-27. Review status: criteria provided, single submitter. Criteria: ACMG Guidelines, 2015. Collection method: clinical testing. Allele origin: germline.

NM_000421.5(KRT10):c.1548A>C (p.Gly516=)

Gene: KRT10 (keratin 10; minus strand). Cytogenetic location: 17q21.2.
Variant type: single nucleotide variant.
Coding change: c.1548A>C on transcript NM_000421.5 (MANE Select); coding-DNA position 1548, A replaced by C.
Protein change: p.Gly516=; no amino-acid change (glycine 516 retained).
Molecular consequence: synonymous variant.
Genome position (GRCh38, 1-based): chr17:40,818,987, T>G on the plus strand (A>C on the coding strand, the complement: KRT10 is on the minus strand). VCF-style: chr17-40818987-T-G. GRCh37 (hg19) VCF-style: chr17-38975239-T-G.
Other names: c.1548A>C (NM_000421.3); c.1548A>C, p.Gly516= (NM_001379366.1).
Identifiers: ClinVar variation 4935080 (VCV004935080.2).